The following is an entry in ClinVar:

NM_005611.4(RBL2):c.2574A>G (p.Leu858=)

Gene: RBL2 (RB transcriptional corepressor like 2; plus strand). Cytogenetic location: 16q12.2.
Variant type: single nucleotide variant.
Coding change: c.2574A>G on transcript NM_005611.4 (MANE Select); coding-DNA position 2574, A replaced by G.
Protein change: p.Leu858=; no amino-acid change (leucine 858 retained).
Molecular consequence: synonymous variant.
Genome position (GRCh38, 1-based): chr16:53,470,793, A>G. VCF-style: chr16-53470793-A-G. GRCh37 (hg19) VCF-style: chr16-53504705-A-G.
Other names: c.2574A>G, p.Leu858= (NM_001323608.2, NM_001323609.2); c.2427A>G, p.Leu809= (NM_001323610.2); c.2352A>G, p.Leu784= (NM_001323611.1).
Identifiers: ClinVar variation 4534799 (VCV004534799.6).

ClinVar aggregate classification (germline): Likely benign (1 of 4 stars; one submission).

Submission:

CeGaT Center for Human Genetics Tuebingen
Classification: Likely benign. Last evaluated: 2025-11-01. Review status: criteria provided, single submitter. Criteria: CeGaT Center For Human Genetics Tuebingen Variant Classification Criteria Version 2. Collection method: clinical testing. Allele origin: germline. Affected: yes. Observed: 1 variant allele.
Comment: RBL2: PM2:Supporting, BP4, BP7